The following is an entry in ClinVar:

ClinVar aggregate classification (germline): Uncertain significance (1 of 4 stars; one submission).

Conditions:
Myopathy, tubular aggregate, 2 (TAM2). Identifiers: MedGen C4014557, MONDO:0014383, OMIM 615883.
Combined immunodeficiency due to ORAI1 deficiency. Also called: IMMUNODEFICIENCY 9. Identifiers: Orphanet 169090, Orphanet 317428, MedGen C2748568, MONDO:0013007, OMIM 612782.

Submission:

Labcorp Genetics (formerly Invitae), Labcorp
Classification: Uncertain significance for Myopathy, tubular aggregate, 2; Combined immunodeficiency due to ORAI1 deficiency. Last evaluated: 2024-11-14. Review status: criteria provided, single submitter. Criteria: Invitae Variant Classification Sherloc (09022015). Collection method: clinical testing. Allele origin: germline.
Comment: This sequence change replaces glutamic acid, which is acidic and polar, with valine, which is neutral and non-polar, at codon 15 of the ORAI1 protein (p.Glu15Val). This variant is not present in population databases (gnomAD no frequency). This variant has not been reported in the literature in individuals affected with ORAI1-related conditions. Experimental studies and prediction algorithms are not available or were not evaluated, and the functional significance of this variant is currently unknown. In summary, the available evidence is currently insufficient to determine the role of this variant in disease. Therefore, it has been classified as a Variant of Uncertain Significance.

NC_000012.12:g.121626786A>T

Genes: ORAI1 (ORAI calcium release-activated calcium modulator 1; plus strand), LOC130008987 (ATAC-STARR-seq lymphoblastoid silent region 4981; plus strand). Cytogenetic location: 12q24.31.
Variant type: single nucleotide variant.
Molecular consequence: non-coding transcript variant (on NR_186857.1).
Genome position: GRCh38 VCF-style: chr12-121626786-A-T. GRCh37 (hg19) VCF-style: chr12-122064691-A-T.
Identifiers: ClinVar variation 3759784 (VCV003759784.2).